The following is an entry in ClinVar:

ClinVar aggregate classification (germline): Uncertain significance. Review status: criteria provided, multiple submitters, no conflicts (2 of 4 stars). 2 submissions from 2 submitters: Uncertain significance (2). Last evaluated 2025-09-11.

Submissions (2):

Ambry Genetics
Classification: Uncertain significance. Last evaluated: 2025-09-11. Review status: criteria provided, single submitter. Criteria: Ambry Variant Classification Scheme 2023. Collection method: clinical testing. Allele origin: germline.
Comment: The p.I40T variant (also known as c.119T>C), located in coding exon 2 of the SRP72 gene, results from a T to C substitution at nucleotide position 119. The isoleucine at codon 40 is replaced by threonine, an amino acid with similar properties. This amino acid position is conserved. In addition, this alteration is predicted to be tolerated by in silico analysis. Based on the available evidence, the clinical significance of this variant remains unclear.

Labcorp Genetics (formerly Invitae), Labcorp
Classification: Uncertain significance. Last evaluated: 2025-04-23. Review status: criteria provided, single submitter. Criteria: Invitae Variant Classification Sherloc (09022015). Collection method: clinical testing. Allele origin: germline.
Comment: This sequence change replaces isoleucine, which is neutral and non-polar, with threonine, which is neutral and polar, at codon 40 of the SRP72 protein (p.Ile40Thr). This variant is not present in population databases (gnomAD no frequency). This variant has not been reported in the literature in individuals affected with SRP72-related conditions. ClinVar contains an entry for this variant (Variation ID: 3681467). Invitae Evidence Modeling of protein sequence and biophysical properties (such as structural, functional, and spatial information, amino acid conservation, physicochemical variation, residue mobility, and thermodynamic stability) indicates that this missense variant is not expected to disrupt SRP72 protein function with a negative predictive value of 80%. In summary, the available evidence is currently insufficient to determine the role of this variant in disease. Therefore, it has been classified as a Variant of Uncertain Significance.

NM_006947.4(SRP72):c.119T>C (p.Ile40Thr)

Gene: SRP72 (signal recognition particle 72; plus strand). Cytogenetic location: 4q12.
Variant type: single nucleotide variant.
Coding change: c.119T>C on transcript NM_006947.4 (MANE Select); coding-DNA position 119, T replaced by C.
Protein change: p.Ile40Thr; replaces isoleucine 40 with threonine.
Molecular consequence: missense variant. On other transcripts: non-coding transcript variant (1).
Genome position (GRCh38, 1-based): chr4:56,469,662, T>C. VCF-style: chr4-56469662-T-C. GRCh37 (hg19) VCF-style: chr4-57335828-T-C.
Other names: c.119T>C (NM_006947.3); c.119T>C, p.Ile40Thr (NM_001267722.2); short protein forms I40T.
Identifiers: ClinVar variation 3681467 (VCV003681467.3).